The following is an entry in ClinVar:

NM_001080517.3(SETD5):c.3083delinsTCT (p.Arg1028fs)

Gene: SETD5 (SET domain containing 5; plus strand). Cytogenetic location: 3p25.3.
Variant type: Indel.
Coding change: c.3083delinsTCT on transcript NM_001080517.3 (MANE Select); coding-DNA position 3083, G replaced by TCT.
Protein change: p.Arg1028fs; shifts the reading frame from arginine 1028.
Molecular consequence: frameshift variant.
Genome position (GRCh38, 1-based): chr3:9,470,817, G replaced by TCT. VCF-style: chr3-9470817-G-TCT. GRCh37 (hg19) VCF-style: chr3-9512501-G-TCT.
Other names: c.2789delinsTCT, p.Arg930fs (NM_001292043.2, NM_001349451.2); c.3179delinsTCT, p.Arg1060fs (NM_001437633.1); c.3197delinsTCT, p.Arg1066fs (NM_001437635.1); c.3140delinsTCT, p.Arg1047fs (NM_001437643.1); c.3122delinsTCT, p.Arg1041fs (NM_001437701.1); short protein forms R1028fs, R1041fs, R1047fs, R1060fs, R1066fs, R930fs.
Identifiers: ClinVar variation 4855936 (VCV004855936.1).

ClinVar aggregate classification (germline): Likely pathogenic (1 of 4 stars; one submission).

Conditions:
Intellectual disability-facial dysmorphism syndrome due to SETD5 haploinsufficiency (MRD23). Also called: Intellectual developmental disorder, autosomal dominant 23. Identifiers: Orphanet 404440, MedGen C3810406, MONDO:0014336, OMIM 615761.

Submission:

3billion
Classification: Likely pathogenic for Intellectual disability-facial dysmorphism syndrome due to SETD5 haploinsufficiency. Last evaluated: 2025-07-31. Review status: criteria provided, single submitter. Criteria: ACMG Guidelines, 2015. Collection method: clinical testing. Allele origin: germline. Affected: yes.
Comment: The variant is not observed in the gnomAD v4.1.0 dataset. Predicted Consequence/Location: Frameshift: predicted to result in a loss or disruption of normal protein function through nonsense-mediated decay (NMD) or protein truncation. Multiple pathogenic variants are reported downstream of the variant. Therefore, this variant is classified as Likely pathogenic according to the recommendation of ACMG/AMP guideline.